The following is an entry in ClinVar:

ClinVar aggregate classification (germline): Uncertain significance (1 of 4 stars; one submission).

Submission:

Labcorp Genetics (formerly Invitae), Labcorp
Classification: Uncertain significance. Last evaluated: 2025-01-15. Review status: criteria provided, single submitter. Criteria: Invitae Variant Classification Sherloc (09022015). Collection method: clinical testing. Allele origin: germline.
Comment: This sequence change replaces threonine, which is neutral and polar, with alanine, which is neutral and non-polar, at codon 554 of the TNFRSF11A protein (p.Thr554Ala). This variant is present in population databases (rs750984704, gnomAD 0.006%). This missense change has been observed in individual(s) with clinical features of TNFRSF11A-related conditions (PMID: 35252483). An algorithm developed to predict the effect of missense changes on protein structure and function (PolyPhen-2) suggests that this variant¬†is likely to be tolerated. In summary, the available evidence is currently insufficient to determine the role of this variant in disease. Therefore, it has been classified as a Variant of Uncertain Significance.

Literature cited by the submitters: PubMed 35252483.

NM_003839.4(TNFRSF11A):c.1660A>G (p.Thr554Ala)

Gene: TNFRSF11A (TNF receptor superfamily member 11a; plus strand). Cytogenetic location: 18q21.33.
Variant type: single nucleotide variant.
Coding change: c.1660A>G on transcript NM_003839.4 (MANE Select); coding-DNA position 1660, A replaced by G.
Protein change: p.Thr554Ala; replaces threonine 554 with alanine.
Molecular consequence: missense variant. On other transcripts: 3 prime UTR variant (1).
Genome position (GRCh38, 1-based): chr18:62,384,843, A>G. VCF-style: chr18-62384843-A-G. GRCh37 (hg19) VCF-style: chr18-60052076-A-G.
Other names: c.*84A>G (NM_001270949.2); c.823A>G, p.Thr275Ala (NM_001270950.2); c.709A>G, p.Thr237Ala (NM_001270951.2); c.1618A>G, p.Thr540Ala (NM_001278268.2); short protein forms T237A, T275A, T540A, T554A.
Identifiers: ClinVar variation 3607965 (VCV003607965.1).